The following is an entry in ClinVar:

ClinVar aggregate classification (germline): Uncertain significance. Review status: criteria provided, multiple submitters, no conflicts (2 of 4 stars). 4 submissions from 4 submitters: Uncertain significance (4). Last evaluated 2026-06-11.

Conditions:
SCN9A-related disorder. Also called: SCN9A-related condition; SCN9A-related disorders.
Neuropathy, hereditary sensory and autonomic, type 2A (HSAN2A). Also called: HSAN IIA; ACROOSTEOLYSIS, GIACCAI TYPE; ACROOSTEOLYSIS, NEUROGENIC; WNK1-Related HSAN2 (HSAN2A); MORVAN DISEASE; NEUROPATHY, CONGENITAL SENSORY. Identifiers: Orphanet 970, MedGen C2752089, MONDO:0024309, OMIM 201300.
Generalized epilepsy with febrile seizures plus, type 7 (GEFSP7). Also called: GEFS+, TYPE 7. Identifiers: Orphanet 36387, MedGen C2751778, MONDO:0013470, OMIM 613863.

Allele frequency attached by ClinVar (database versions not stated): ExAC 0.00001; gnomAD 0.00003; gnomAD exomes 0.00003; TOPMed 0.00005.
gnomAD v4.1: 44 of 1,613,870 alleles (0.0027%); highest among the groups gnomAD compares: East Asian, 0.0067%; no homozygotes.

Submissions (4):

PreventionGenetics, part of Exact Sciences
Classification: Uncertain significance for SCN9A-related condition. Last evaluated: 2026-06-11. Review status: criteria provided, single submitter. Criteria: ACMG Guidelines, 2015. Collection method: clinical testing. Allele origin: germline.
Comment: The SCN9A c.2617G>A variant is predicted to result in the amino acid substitution p.Gly873Ser. To our knowledge, this variant has not been reported in the literature. This variant is reported in 0.0065% of alleles in individuals of South Asian descent in gnomAD. At this time, the clinical significance of this variant is uncertain due to the absence of conclusive functional and genetic evidence.

Labcorp Genetics (formerly Invitae), Labcorp
Classification: Uncertain significance for Neuropathy, hereditary sensory and autonomic, type 2A; Generalized epilepsy with febrile seizures plus, type 7. Last evaluated: 2025-12-13. Review status: criteria provided, single submitter. Criteria: Invitae Variant Classification Sherloc (09022015). Collection method: clinical testing. Allele origin: germline.
Comment: This sequence change replaces glycine, which is neutral and non-polar, with serine, which is neutral and polar, at codon 873 of the SCN9A protein (p.Gly873Ser). This variant is present in population databases (rs202177070, gnomAD 0.006%). This variant has not been reported in the literature in individuals affected with SCN9A-related conditions. ClinVar contains an entry for this variant (Variation ID: 652559). Invitae Evidence Modeling of protein sequence and biophysical properties (such as structural, functional, and spatial information, amino acid conservation, physicochemical variation, residue mobility, and thermodynamic stability) has been performed for this missense variant. However, the output from this modeling did not meet the statistical confidence thresholds required to predict the impact of this variant on SCN9A protein function. In summary, the available evidence is currently insufficient to determine the role of this variant in disease. Therefore, it has been classified as a Variant of Uncertain Significance.

GeneDx
Classification: Uncertain significance. Last evaluated: 2025-06-11. Review status: criteria provided, single submitter. Criteria: GeneDx Variant Classification Process June 2021. Collection method: clinical testing. Allele origin: germline. Affected: yes.
Comment: Reported previously as a variant of uncertain significance in a patient with symptoms of adult onset Still's disease (PMID: 39611152); In silico analysis supports that this missense variant has a deleterious effect on protein structure/function; This variant is associated with the following publications: (PMID: 39611152)

Revvity Omics, Revvity
Classification: Uncertain significance. Last evaluated: 2020-03-13. Review status: criteria provided, single submitter. Criteria: ACMG Guidelines, 2015. Collection method: clinical testing. Allele origin: germline.

NM_001365536.1(SCN9A):c.2650G>A (p.Gly884Ser)

Genes: SCN1A-AS1 (SCN1A and SCN9A antisense RNA 1; plus strand), SCN9A (sodium voltage-gated channel alpha subunit 9; minus strand). Cytogenetic location: 2q24.3.
Variant type: single nucleotide variant.
Coding change: c.2650G>A on transcript NM_001365536.1 (MANE Select); coding-DNA position 2650, G replaced by A.
Protein change: p.Gly884Ser; replaces glycine 884 with serine.
Molecular consequence: missense variant. On other transcripts: non-coding transcript variant (1).
Genome position (GRCh38, 1-based): chr2:166,277,207, C>T on the plus strand (G>A on the coding strand, the complement: SCN9A is on the minus strand). VCF-style: chr2-166277207-C-T. GRCh37 (hg19) VCF-style: chr2-167133717-C-T.
Other names: c.2617G>A, p.Gly873Ser (NM_002977.4); short protein forms G873S, G884S.
Identifiers: ClinVar variation 652559 (VCV000652559.13), dbSNP rs202177070, ClinGen allele CA1944223.
Genomic context (GRCh38, chr2:166,277,207, plus strand): 5'-TACAGTCATCATTGATCTTGCAGACACATTCTTTGTAGCTCTTACCAAAGAGCTGCATGC[C>T]GACCACAGCAAAAATGAAGACGATGATGGCCAACACTAAGGTGAGGTTACCTAGAGCCCC-3'
Protein context (NP_001352465.1, residues 874-894): AIIVFIFAVV[Gly884Ser]MQLFGKSYKE